The following is an entry in ClinVar:

ClinVar aggregate classification (germline): Pathogenic. Review status: reviewed by expert panel (3 of 4 stars). 2 submissions from 2 submitters: Pathogenic (1). 1 of the submissions does not count toward it. Last evaluated 2016-09-08.

Conditions:
Hereditary cancer-predisposing syndrome. Also called: Neoplastic Syndromes, Hereditary; Hereditary Cancer Syndrome; Hereditary neoplastic syndrome; Tumor predisposition. Identifiers: Orphanet 140162, MedGen C0027672, MeSH D009386, MONDO:0015356.
Breast-ovarian cancer, familial, susceptibility to, 2 (BROVCA2). Also called: BRCA2 Hereditary Breast and Ovarian Cancer. Identifiers: Orphanet 145, MedGen C2675520, MONDO:0012933, OMIM 612555. Disease mechanism: loss of function.

Submissions (2):

Evidence-based Network for the Interpretation of Germline Mutant Alleles (ENIGMA)
Classification: Pathogenic for Breast-ovarian cancer, familial, susceptibility to, 2. Last evaluated: 2016-09-08. Review status: reviewed by expert panel. Criteria: ENIGMA BRCA1/2 Classification Criteria (2015). Collection method: curation. Allele origin: germline.
Comment: Variant allele predicted to encode a truncated non-functional protein.

Ambry Genetics
Classification: Pathogenic for Hereditary cancer-predisposing syndrome. Last evaluated: 2013-12-16. Review status: criteria provided, single submitter. Criteria: Ambry Autosomal Dominant and X-Linked criteria (10/2015). Collection method: clinical testing. Allele origin: germline. Observed: 1 variant allele. Not counted in ClinVar's aggregate classification.
Comment: Ã¢â‚¬â€¹The c.6702delT pathogenic mutation (also known as 6474delT), located in coding exon 10 of the BRCA2 gene, results from a deletion of one nucleotide at position 6702, causing a translational frameshift with a predicted alternate stop codon. Since frameshifts are typically deleterious in nature, this alteration is interpreted as a disease-causing mutation (ACMG Recommendations for Standards for Interpretation and Reporting of Sequence Variations. Revision 2007. Genet Med. 2008;10:294).

NM_000059.4(BRCA2):c.6702del (p.Phe2234fs)

Gene: BRCA2 (BRCA2 DNA repair associated; plus strand). Cytogenetic location: 13q13.1.
Variant type: Deletion.
Coding change: c.6702del on transcript NM_000059.4 (MANE Select); coding-DNA position 6702, one base deleted (T; older notation c.6702delT).
Protein change: p.Phe2234fs; shifts the reading frame from phenylalanine 2234.
Molecular consequence: frameshift variant.
Genome position (GRCh38, 1-based): chr13:32,341,057, T deleted; the last of 4 consecutive T bases (chr13:32,341,054-32,341,057); deleting any one gives the same sequence. VCF-style (leftmost placement, unchanged base first): chr13-32341053-CT-C. GRCh37 (hg19) VCF-style: chr13-32915190-CT-C.
Other names: c.6702delT (NM_000059.3); short protein forms F2234fs.
Identifiers: ClinVar variation 141129 (VCV000141129.6), dbSNP rs587781516, ClinGen allele CA024308.
Genomic context (GRCh38, chr13:32,341,053, plus strand): 5'-CTACTTACTCCAAAGATTCAGAAAACTACTTTGAAACAGAAGCAGTAGAAATTGCTAAAG[CT>C]TTTATGGAAGATGATGAACTGACAGATTCTAAACTGCCAAGTCATGCCACACATTCTCTT-3'